The following is an entry in ClinVar:

NM_015557.3(CHD5):c.3371C>T (p.Pro1124Leu)

Gene: CHD5 (chromodomain helicase DNA binding protein 5; minus strand). Cytogenetic location: 1p36.31.
Variant type: single nucleotide variant.
Coding change: c.3371C>T on transcript NM_015557.3 (MANE Select); coding-DNA position 3371, C replaced by T.
Protein change: p.Pro1124Leu; replaces proline 1124 with leucine.
Molecular consequence: missense variant.
Genome position (GRCh38, 1-based): chr1:6,130,220, G>A on the plus strand (C>T on the coding strand, the complement: CHD5 is on the minus strand). VCF-style: chr1-6130220-G-A. GRCh37 (hg19) VCF-style: chr1-6190280-G-A.
Other names: c.3371C>T (NM_015557.2); short protein forms P1124L.
Identifiers: ClinVar variation 995782 (VCV000995782.4), dbSNP rs2100847449, ClinGen allele CA338076617.

ClinVar aggregate classification (germline): Pathogenic/Likely pathogenic. Review status: criteria provided, multiple submitters, no conflicts (2 of 4 stars). 3 submissions from 3 submitters: Pathogenic (1); Likely pathogenic (2). Last evaluated 2025-06-24.

Conditions:
Parenti-mignot neurodevelopmental syndrome. Identifiers: MedGen C5676984, MONDO:0859249, OMIM 619873.
Global developmental delay (DD). Also called: Cognitive delay. Identifiers: MedGen C0557874, HP:0001263. Disease mechanism: loss of function.
Seizure. Also called: Seizures. Identifiers: MedGen C0036572, HP:0001250.
Intellectual disability. Also called: intellectual disabilities; Intellectual functioning disability; Intellectual developmental disorder. Identifiers: MedGen C3714756, MeSH D008607, MONDO:0001071, HP:0001249.

Submissions (3):

Clinical Genetics Laboratory, University Hospital Schleswig-Holstein
Classification: Likely pathogenic for Parenti-mignot neurodevelopmental syndrome. Last evaluated: 2025-06-24. Review status: criteria provided, single submitter. Criteria: ACMG Guidelines, 2015. Collection method: clinical testing. Allele origin: germline. Affected: yes. Observed: 1 heterozygote.
Comment: ACMG criteria applied: PM2, PS4_Moderate, PS2_Moderate, PP3, PP2

GeneDx
Classification: Pathogenic. Last evaluated: 2022-10-27. Review status: criteria provided, single submitter. Criteria: GeneDx Variant Classification Process June 2021. Collection method: clinical testing. Allele origin: germline. Affected: yes.
Comment: Not observed at significant frequency in large population cohorts (gnomAD); In silico analysis supports that this missense variant has a deleterious effect on protein structure/function; This variant is associated with the following publications: (PMID: 33944996)

Institute for Human Genetics, University Hospital Essen
Classification: Likely pathogenic for Global developmental delay; Intellectual disability; Seizure. Last evaluated: 2021-01-18. Review status: criteria provided, single submitter. Criteria: ACMG Guidelines, 2015. Collection method: research. Allele origin: de novo. Affected: yes.

Literature cited by the submitters: PubMed 33944996 (cited by Institute for Human Genetics, University Hospital Essen).